The following is an entry in ClinVar:

ClinVar aggregate classification (germline): Pathogenic (1 of 4 stars; one submission).

Submission:

GeneDx
Classification: Pathogenic. Last evaluated: 2022-05-18. Review status: criteria provided, single submitter. Criteria: GeneDx Variant Classification Process June 2021. Collection method: clinical testing. Allele origin: germline. Affected: yes.
Comment: Published functional studies demonstrate the P330S variant results in a gain of function of STAT3 resulting in decreased insulin synthesis (Velayos et al., 2017); In silico analysis supports that this missense variant has a deleterious effect on protein structure/function; Not observed at significant frequency in large population cohorts (gnomAD); This variant is associated with the following publications: (PMID: 18602572, 28073828)

NM_139276.3(STAT3):c.988C>T (p.Pro330Ser)

Gene: STAT3 (signal transducer and activator of transcription 3; minus strand). Cytogenetic location: 17q21.2.
Variant type: single nucleotide variant.
Coding change: c.988C>T on transcript NM_139276.3 (MANE Select); coding-DNA position 988, C replaced by T.
Protein change: p.Pro330Ser; replaces proline 330 with serine.
Molecular consequence: missense variant.
Genome position (GRCh38, 1-based): chr17:42,333,734, G>A on the plus strand (C>T on the coding strand, the complement: STAT3 is on the minus strand). VCF-style: chr17-42333734-G-A. GRCh37 (hg19) VCF-style: chr17-40485752-G-A.
Other names: c.988C>T, p.Pro330Ser (NM_001369512.1, NM_001369513.1, NM_001369514.1 and 15 more transcripts); c.910C>T, p.Pro304Ser (NM_001384985.1); c.892C>T, p.Pro298Ser (NM_001384989.1); short protein forms P298S, P304S, P330S.
Identifiers: ClinVar variation 1800571 (VCV001800571.1), dbSNP rs2144828091, ClinGen allele CA399590715.